The following is an entry in ClinVar:

ClinVar aggregate classification (germline): Uncertain significance (1 of 4 stars; one submission).

Submission:

GeneDx
Classification: Uncertain significance. Last evaluated: 2023-01-17. Review status: criteria provided, single submitter. Criteria: GeneDx Variant Classification Process June 2021. Collection method: clinical testing. Allele origin: germline. Affected: yes.
Comment: Not observed at significant frequency in large population cohorts (gnomAD); In silico analysis supports that this missense variant has a deleterious effect on protein structure/function; Has not been previously published as pathogenic or benign to our knowledge

NM_002911.4(UPF1):c.2713A>C (p.Asn905His)

Gene: UPF1 (UPF1 RNA helicase and ATPase; plus strand). Cytogenetic location: 19p13.11.
Variant type: single nucleotide variant.
Coding change: c.2713A>C on transcript NM_002911.4 (MANE Select); coding-DNA position 2713, A replaced by C.
Protein change: p.Asn905His; replaces asparagine 905 with histidine.
Molecular consequence: missense variant.
Genome position (GRCh38, 1-based): chr19:18,863,550, A>C. VCF-style: chr19-18863550-A-C. GRCh37 (hg19) VCF-style: chr19-18974359-A-C.
Other names: c.2746A>C, p.Asn916His (NM_001297549.2); short protein forms N905H, N916H.
Identifiers: ClinVar variation 2572679 (VCV002572679.1), dbSNP rs2512938193, ClinGen allele CA404858643.